The following is an entry in ClinVar:

NM_004415.4(DSP):c.293G>C (p.Gly98Ala)

Gene: DSP (desmoplakin; plus strand). Cytogenetic location: 6p24.3.
Variant type: single nucleotide variant.
Coding change: c.293G>C on transcript NM_004415.4 (MANE Select); coding-DNA position 293, G replaced by C.
Protein change: p.Gly98Ala; replaces glycine 98 with alanine.
Molecular consequence: missense variant.
Genome position (GRCh38, 1-based): chr6:7,558,135, G>C. VCF-style: chr6-7558135-G-C. GRCh37 (hg19) VCF-style: chr6-7558368-G-C.
Other names: c.293G>C, p.Gly98Ala (NM_001008844.3, NM_001319034.2, NM_001406591.1); short protein forms G98A.
Identifiers: ClinVar variation 1797903 (VCV001797903.6), dbSNP rs1758555800, ClinGen allele CA362671141.

ClinVar aggregate classification (germline): Uncertain significance. Review status: criteria provided, multiple submitters, no conflicts (2 of 4 stars). 5 submissions from 5 submitters: Uncertain significance (5). Last evaluated 2025-08-14.

Conditions:
Cardiovascular phenotype. Identifiers: MedGen CN230736.
Arrhythmogenic cardiomyopathy with wooly hair and keratoderma. Also called: Arrhythmogenic cardiomyopathy with woolly hair and keratoderma; Carvajal syndrome; Dilated cardiomyopathy with woolly hair and keratoderma; PALMOPLANTAR KERATODERMA WITH LEFT VENTRICULAR CARDIOMYOPATHY AND WOOLLY HAIR. Identifiers: Orphanet 65282, MedGen C1854063, MONDO:0011581, OMIM 605676.
Arrhythmogenic right ventricular dysplasia 8 (ARVD8). Also called: Arrhythmogenic Right Ventricular Dysplasia/Cardiomyopathy 8; ARRHYTHMOGENIC RIGHT VENTRICULAR DYSPLASIA, FAMILIAL, 8; ARRHYTHMOGENIC RIGHT VENTRICULAR CARDIOMYOPATHY 8. Identifiers: MedGen C1843896, MONDO:0011831, OMIM 607450.
Cardiomyopathy (CMYO). Also called: Cardiomyopathies. Identifiers: Orphanet 167848, MedGen C0878544, MONDO:0004994, HP:0001638. Inheritance: Various modes of inheritance.

gnomAD v4.1: 2 of 1,614,204 alleles (0.00012%); highest among the groups gnomAD compares: African/African-American, 0.0013%; no homozygotes.

Submissions (5):

GeneDx
Classification: Uncertain significance. Last evaluated: 2025-08-14. Review status: criteria provided, single submitter. Criteria: GeneDx Variant Classification Process June 2021. Collection method: clinical testing. Allele origin: germline. Affected: yes.
Comment: Not observed at significant frequency in large population cohorts (gnomAD); In silico analysis suggests that this missense variant does not alter protein structure/function; Has not been previously published as pathogenic or benign to our knowledge

Color Diagnostics, LLC DBA Color Health
Classification: Uncertain significance for Cardiomyopathy. Last evaluated: 2024-05-13. Review status: criteria provided, single submitter. Criteria: ACMG Guidelines, 2015. Collection method: clinical testing. Allele origin: germline.
Comment: This missense variant replaces glycine with alanine at codon 98 of the DSP protein. Computational prediction suggests that this variant may not impact protein structure and function (internally defined REVEL score threshold <= 0.5, PMID: 27666373). To our knowledge, functional studies have not been reported for this variant. This variant has not been reported in individuals affected with DSP-related disorders in the literature. This variant has not been identified in the general population by the Genome Aggregation Database (gnomAD). The available evidence is insufficient to determine the role of this variant in disease conclusively. Therefore, this variant is classified as a Variant of Uncertain Significance.

Labcorp Genetics (formerly Invitae), Labcorp
Classification: Uncertain significance for Arrhythmogenic cardiomyopathy with wooly hair and keratoderma; Arrhythmogenic right ventricular dysplasia 8. Last evaluated: 2024-04-01. Review status: criteria provided, single submitter. Criteria: Invitae Variant Classification Sherloc (09022015). Collection method: clinical testing. Allele origin: germline.
Comment: This sequence change replaces glycine, which is neutral and non-polar, with alanine, which is neutral and non-polar, at codon 98 of the DSP protein (p.Gly98Ala). This variant is not present in population databases (gnomAD no frequency). This variant has not been reported in the literature in individuals affected with DSP-related conditions. ClinVar contains an entry for this variant (Variation ID: 1797903). An algorithm developed to predict the effect of missense changes on protein structure and function (PolyPhen-2) suggests that this variant is likely to be tolerated. In summary, the available evidence is currently insufficient to determine the role of this variant in disease. Therefore, it has been classified as a Variant of Uncertain Significance.

All of Us Research Program, National Institutes of Health
Classification: Uncertain significance for Arrhythmogenic cardiomyopathy with wooly hair and keratoderma. Last evaluated: 2023-11-13. Review status: criteria provided, single submitter. Criteria: ACMG Guidelines, 2015. Collection method: clinical testing. Allele origin: germline. Inheritance: Autosomal dominant inheritance. Observed: 1 variant allele, 1 heterozygote.
Comment: This study involves interpretation of variants in research participants for the purpose of population health screening. Participant phenotype was not available at the time of variant classification. Additional details can be found in publication PMID: 35346344, PMCID: PMC8962531

Ambry Genetics
Classification: Uncertain significance for Cardiovascular phenotype. Last evaluated: 2020-11-13. Review status: criteria provided, single submitter. Criteria: Ambry Variant Classification Scheme 2023. Collection method: clinical testing. Allele origin: germline.
Comment: The p.G98A variant (also known as c.293G>C), located in coding exon 3 of the DSP gene, results from a G to C substitution at nucleotide position 293. The glycine at codon 98 is replaced by alanine, an amino acid with similar properties. This amino acid position is highly conserved in available vertebrate species. In addition, the in silico prediction for this alteration is inconclusive. Since supporting evidence is limited at this time, the clinical significance of this alteration remains unclear.